The following is an entry in ClinVar:

ClinVar aggregate classification (germline): Uncertain significance. Review status: criteria provided, multiple submitters, no conflicts (2 of 4 stars). 3 submissions from 3 submitters: Uncertain significance (3). Last evaluated 2024-08-14.

Conditions:
Oligodontia-cancer predisposition syndrome. Also called: TOOTH AGENESIS-COLORECTAL CANCER SYNDROME. Identifiers: Orphanet 300576, MedGen C1837750, MONDO:0012075, OMIM 608615. Disease mechanism: loss of function.
Colorectal cancer. Also called: Colorectal cancer, somatic; Malignant Colorectal Neoplasm. Identifiers: MedGen C0346629, MONDO:0005575, OMIM 114500.
Hereditary cancer-predisposing syndrome. Also called: Neoplastic Syndromes, Hereditary; Hereditary Cancer Syndrome; Hereditary neoplastic syndrome; Tumor predisposition. Identifiers: Orphanet 140162, MedGen C0027672, MeSH D009386, MONDO:0015356.

Allele frequency attached by ClinVar (database versions not stated): gnomAD exomes below 0.00001; ExAC 0.00001.
gnomAD v4.1: 1 of 1,610,762 alleles (0.000062%); highest among the groups gnomAD compares: East Asian, 0.0022%; no homozygotes.

Submissions (3):

Labcorp Genetics (formerly Invitae), Labcorp
Classification: Uncertain significance for Oligodontia-cancer predisposition syndrome. Last evaluated: 2024-08-14. Review status: criteria provided, single submitter. Criteria: Invitae Variant Classification Sherloc (09022015). Collection method: clinical testing. Allele origin: germline.
Comment: This sequence change replaces alanine, which is neutral and non-polar, with threonine, which is neutral and polar, at codon 491 of the AXIN2 protein (p.Ala491Thr). This variant is present in population databases (rs761303245, gnomAD 0.006%). This variant has not been reported in the literature in individuals affected with AXIN2-related conditions. ClinVar contains an entry for this variant (Variation ID: 1423694). An algorithm developed to predict the effect of missense changes on protein structure and function (PolyPhen-2) suggests that this variant is likely to be tolerated. In summary, the available evidence is currently insufficient to determine the role of this variant in disease. Therefore, it has been classified as a Variant of Uncertain Significance.

Baylor Genetics
Classification: Uncertain significance for Colorectal cancer. Last evaluated: 2024-03-22. Review status: criteria provided, single submitter. Criteria: ACMG Guidelines, 2015. Collection method: clinical testing. Allele origin: unknown.

Ambry Genetics
Classification: Uncertain significance for Hereditary cancer-predisposing syndrome. Last evaluated: 2022-07-11. Review status: criteria provided, single submitter. Criteria: Ambry Variant Classification Scheme 2023. Collection method: clinical testing. Allele origin: germline.
Comment: The p.A491T variant (also known as c.1471G>A), located in coding exon 5 of the AXIN2 gene, results from a G to A substitution at nucleotide position 1471. The alanine at codon 491 is replaced by threonine, an amino acid with similar properties. This amino acid position is conserved. In addition, this alteration is predicted to be tolerated by in silico analysis. Since supporting evidence is limited at this time, the clinical significance of this alteration remains unclear.

NM_004655.4(AXIN2):c.1471G>A (p.Ala491Thr)

Gene: AXIN2 (axin 2; minus strand). Cytogenetic location: 17q24.1.
Variant type: single nucleotide variant.
Coding change: c.1471G>A on transcript NM_004655.4 (MANE Select); coding-DNA position 1471, G replaced by A.
Protein change: p.Ala491Thr; replaces alanine 491 with threonine.
Molecular consequence: missense variant.
Genome position (GRCh38, 1-based): chr17:65,537,565, C>T on the plus strand (G>A on the coding strand, the complement: AXIN2 is on the minus strand). VCF-style: chr17-65537565-C-T. GRCh37 (hg19) VCF-style: chr17-63533683-C-T.
Other names: c.1471G>A, p.Ala491Thr (NM_001363813.1); short protein forms A491T.
Identifiers: ClinVar variation 1423694 (VCV001423694.10), dbSNP rs761303245, ClinGen allele CA8718640.
Genomic context (GRCh38, chr17:65,537,565, plus strand): 5'-TCGTCTGCTTGGTCACAAAGCCTTTGCCCCCGAGGAGGGGGCAGGCGCCCGGCGAGGCGG[C>T]CGCGGGAGGCAGCTTGCCACCGGGCGGGAGCAGGGAGTGGTACTGCGAATGGTGGTGGTG-3'
Protein context (NP_004646.3, residues 481-501): LPPGGKLPPA[Ala491Thr]ASPGACPLLG